The following is an entry in ClinVar:

NM_000245.4(MET):c.2626A>C (p.Lys876Gln)

Gene: MET (MET proto-oncogene, receptor tyrosine kinase; plus strand). Cytogenetic location: 7q31.2.
Variant type: single nucleotide variant.
Coding change: c.2626A>C on transcript NM_000245.4 (MANE Select); coding-DNA position 2626, A replaced by C.
Protein change: p.Lys876Gln; replaces lysine 876 with glutamine.
Molecular consequence: missense variant.
Genome position (GRCh38, 1-based): chr7:116,769,687, A>C. VCF-style: chr7-116769687-A-C. GRCh37 (hg19) VCF-style: chr7-116409741-A-C.
Other names: c.2680A>C, p.Lys894Gln (NM_001127500.3); c.2626A>C, p.Lys876Gln (NM_001324401.3); c.1336A>C, p.Lys446Gln (NM_001324402.2); short protein forms K876Q, K446Q, K894Q.
Identifiers: ClinVar variation 861586 (VCV000861586.11), dbSNP rs368891381, ClinGen allele CA164903441.

ClinVar aggregate classification (germline): Uncertain significance. Review status: criteria provided, multiple submitters, no conflicts (2 of 4 stars). 3 submissions from 3 submitters: Uncertain significance (3). Last evaluated 2026-08-11.

Conditions:
Renal cell carcinoma. Identifiers: Orphanet 217071, MedGen C0007134, MeSH D002292, MONDO:0005086, HP:0005584.
Hereditary cancer-predisposing syndrome. Also called: Tumor predisposition; Hereditary neoplastic syndrome; Neoplastic Syndromes, Hereditary; Hereditary Cancer Syndrome. Identifiers: Orphanet 140162, MedGen C0027672, MeSH D009386, MONDO:0015356.

Allele frequency attached by ClinVar (database versions not stated): gnomAD exomes below 0.00001.
gnomAD v4.1: 2 of 1,613,720 alleles (0.00012%); highest among the groups gnomAD compares: East Asian, 0.0022%; no homozygotes.

Submissions (3):

Ambry Genetics
Classification: Uncertain significance for Hereditary cancer-predisposing syndrome. Last evaluated: 2026-08-11. Review status: criteria provided, single submitter. Criteria: Ambry Variant Classification Scheme 2023. Collection method: clinical testing. Allele origin: germline.
Comment: The p.K894Q variant (also known as c.2680A>C), located in coding exon 11 of the MET gene, results from an A to C substitution at nucleotide position 2680. The lysine at codon 894 is replaced by glutamine, an amino acid with similar properties. This amino acid position is conserved. In addition, this alteration is predicted to be tolerated by in silico analysis. Based on the available evidence, the clinical significance of this variant remains unclear.

Labcorp Genetics (formerly Invitae), Labcorp
Classification: Uncertain significance for Renal cell carcinoma. Last evaluated: 2023-06-09. Review status: criteria provided, single submitter. Criteria: Invitae Variant Classification Sherloc (09022015). Collection method: clinical testing. Allele origin: germline.
Comment: In summary, the available evidence is currently insufficient to determine the role of this variant in disease. Therefore, it has been classified as a Variant of Uncertain Significance. Advanced modeling of protein sequence and biophysical properties (such as structural, functional, and spatial information, amino acid conservation, physicochemical variation, residue mobility, and thermodynamic stability) has been performed at Invitae for this missense variant, however the output from this modeling did not meet the statistical confidence thresholds required to predict the impact of this variant on MET protein function. ClinVar contains an entry for this variant (Variation ID: 861586). This variant has not been reported in the literature in individuals affected with MET-related conditions. This variant is present in population databases (rs368891381, gnomAD 0.006%). This sequence change replaces lysine, which is basic and polar, with glutamine, which is neutral and polar, at codon 894 of the MET protein (p.Lys894Gln).

GeneDx
Classification: Uncertain significance. Last evaluated: 2022-06-08. Review status: criteria provided, single submitter. Criteria: GeneDx Variant Classification Process June 2021. Collection method: clinical testing. Allele origin: germline. Affected: yes.
Comment: Not observed at significant frequency in large population cohorts (gnomAD); In silico analysis supports that this missense variant does not alter protein structure/function; Has not been previously published as pathogenic or benign to our knowledge